The following is an entry in ClinVar:

NM_006231.4(POLE):c.4651C>G (p.His1551Asp)

Gene: POLE (DNA polymerase epsilon, catalytic subunit; minus strand). Cytogenetic location: 12q24.33.
Variant type: single nucleotide variant.
Coding change: c.4651C>G on transcript NM_006231.4 (MANE Select); coding-DNA position 4651, C replaced by G.
Protein change: p.His1551Asp; replaces histidine 1551 with aspartic acid.
Molecular consequence: missense variant.
Genome position (GRCh38, 1-based): chr12:132,642,897, G>C on the plus strand (C>G on the coding strand, the complement: POLE is on the minus strand). VCF-style: chr12-132642897-G-C. GRCh37 (hg19) VCF-style: chr12-133219483-G-C.
Other names: short protein forms H1551D.
Identifiers: ClinVar variation 1019194 (VCV001019194.8), dbSNP rs750079093, ClinGen allele CA387379002.
Genomic context (GRCh38, chr12:132,642,897, plus strand): 5'-ATCGCTGGATGGCTCTGCAGATGGTCTTCAGGTCAGTTTCTGCCCGAACTTCGAAGGTGT[G>C]TTTGGGGGGTGGCAGGAGCTCAGGGCCCACCTTCTCCAGGAGGAGGCCGTGCTCTGCTGA-3'
Protein context (NP_006222.2, residues 1541-1561): VGPELLPPPK[His1551Asp]TFEVRAETDL

ClinVar aggregate classification (germline): Uncertain significance (1 of 4 stars; one submission).

Submission:

Labcorp Genetics (formerly Invitae), Labcorp
Classification: Uncertain significance. Last evaluated: 2020-09-24. Review status: criteria provided, single submitter. Criteria: Invitae Variant Classification Sherloc (09022015). Collection method: clinical testing. Allele origin: germline.
Comment: In summary, the available evidence is currently insufficient to determine the role of this variant in disease. Therefore, it has been classified as a Variant of Uncertain Significance. This variant is not present in population databases (ExAC no frequency). Algorithms developed to predict the effect of sequence changes on RNA splicing suggest that this variant may create or strengthen a splice site, but this prediction has not been confirmed by published transcriptional studies. Algorithms developed to predict the effect of missense changes on protein structure and function are either unavailable or do not agree on the potential impact of this missense change (SIFT: "Tolerated"; PolyPhen-2: "Possibly Damaging"; Align-GVGD: "Class C15"). This variant has not been reported in the literature in individuals with POLE-related conditions. This sequence change replaces histidine with aspartic acid at codon 1551 of the POLE protein (p.His1551Asp). The histidine residue is moderately conserved and there is a moderate physicochemical difference between histidine and aspartic acid.